The following is an entry in ClinVar:

ClinVar aggregate classification (germline): Uncertain significance (1 of 4 stars; one submission).

gnomAD v4.1: 5 of 1,611,864 alleles (0.00031%); highest among the groups gnomAD compares: Non-Finnish European, 0.00042%; no homozygotes.

Submission:

Labcorp Genetics (formerly Invitae), Labcorp
Classification: Uncertain significance. Last evaluated: 2024-06-13. Review status: criteria provided, single submitter. Criteria: Invitae Variant Classification Sherloc (09022015). Collection method: clinical testing. Allele origin: germline.
Comment: This sequence change replaces proline, which is neutral and non-polar, with serine, which is neutral and polar, at codon 1332 of the ARHGEF10 protein (p.Pro1332Ser). The frequency data for this variant in the population databases is considered unreliable, as metrics indicate poor data quality at this position in the gnomAD database. This variant has not been reported in the literature in individuals affected with ARHGEF10-related conditions. Algorithms developed to predict the effect of missense changes on protein structure and function output the following: SIFT: "Not Available"; PolyPhen-2: "Benign"; Align-GVGD: "Not Available". The serine amino acid residue is found in multiple mammalian species, which suggests that this missense change does not adversely affect protein function. In summary, the available evidence is currently insufficient to determine the role of this variant in disease. Therefore, it has been classified as a Variant of Uncertain Significance.

NM_014629.4(ARHGEF10):c.3994C>T (p.Pro1332Ser)

Gene: ARHGEF10 (Rho guanine nucleotide exchange factor 10; plus strand). Cytogenetic location: 8p23.3.
Variant type: single nucleotide variant.
Coding change: c.3994C>T on transcript NM_014629.4 (MANE Select); coding-DNA position 3994, C replaced by T.
Protein change: p.Pro1332Ser; replaces proline 1332 with serine.
Molecular consequence: missense variant.
Genome position (GRCh38, 1-based): chr8:1,957,222, C>T. VCF-style: chr8-1957222-C-T. GRCh37 (hg19) VCF-style: chr8-1905388-C-T.
Other names: c.3880C>T, p.Pro1294Ser (NM_001308152.2); c.3994C>T, p.Pro1332Ser (NM_001308153.3); short protein forms P1332S, P1294S, P1356S.
Identifiers: ClinVar variation 3694305 (VCV003694305.2).